The following is an entry in ClinVar:

ClinVar aggregate classification (germline): Uncertain significance (1 of 4 stars; one submission).

Submission:

GeneDx
Classification: Uncertain significance. Last evaluated: 2025-07-30. Review status: criteria provided, single submitter. Criteria: GeneDx Variant Classification Process June 2021. Collection method: clinical testing. Allele origin: germline. Affected: yes.
Comment: Not observed at significant frequency in large population cohorts (gnomAD); In silico analysis supports that this missense variant has a deleterious effect on protein structure/function; Has not been previously published as pathogenic or benign to our knowledge

NM_007192.4(SUPT16H):c.1642C>A (p.Pro548Thr)

Gene: SUPT16H (SPT16 homolog, facilitates chromatin remodeling subunit; minus strand). Cytogenetic location: 14q11.2.
Variant type: single nucleotide variant.
Coding change: c.1642C>A on transcript NM_007192.4 (MANE Select); coding-DNA position 1642, C replaced by A.
Protein change: p.Pro548Thr; replaces proline 548 with threonine.
Molecular consequence: missense variant.
Genome position (GRCh38, 1-based): chr14:21,362,817, G>T on the plus strand (C>A on the coding strand, the complement: SUPT16H is on the minus strand). VCF-style: chr14-21362817-G-T. GRCh37 (hg19) VCF-style: chr14-21830976-G-T.
Other names: short protein forms P548T.
Identifiers: ClinVar variation 4690152 (VCV004690152.1).